The following is an entry in ClinVar:

ClinVar aggregate classification (germline): Uncertain significance (1 of 4 stars; one submission).

Submission:

GeneDx
Classification: Uncertain significance. Last evaluated: 2025-09-16. Review status: criteria provided, single submitter. Criteria: GeneDx Variant Classification Process June 2021. Collection method: clinical testing. Allele origin: germline. Affected: yes.
Comment: Not observed at significant frequency in large population cohorts (gnomAD); In silico analysis supports a deleterious effect on splicing; Has not been previously published as pathogenic or benign to our knowledge

NM_000430.4(PAFAH1B1):c.1003-9_1003-4del

Gene: PAFAH1B1 (platelet activating factor acetylhydrolase 1b regulatory subunit 1; plus strand). Cytogenetic location: 17p13.3.
Variant type: Deletion.
Coding change: c.1003-9_1003-4del on transcript NM_000430.4 (MANE Select); 9 bases into the intron before coding-DNA position 1003 through 4 bases into the intron before coding-DNA position 1003, 6 bases deleted (GTTTTT; older notation c.1003-9_1003-4delGTTTTT).
Molecular consequence: intron variant.
Genome position (GRCh38, 1-based): chr17:2,680,155-2,680,160, GTTTTT deleted; deleting any 6 consecutive bases within chr17:2,680,150-2,680,160 gives the same sequence; the c. name uses the placement nearest the transcript's 3' end. VCF-style (leftmost placement, unchanged base first): chr17-2680149-TTTTTTG-T. GRCh37 (hg19) VCF-style: chr17-2583443-TTTTTTG-T.
Identifiers: ClinVar variation 4813380 (VCV004813380.1).